The following is an entry in ClinVar:

NM_005677.4(COLQ):c.870_871del (p.Cys291fs)

Gene: COLQ (collagen like tail subunit of asymmetric acetylcholinesterase; minus strand). Cytogenetic location: 3p25.1.
Variant type: Deletion.
Coding change: c.870_871del on transcript NM_005677.4 (MANE Select); coding-DNA positions 870 to 871, 2 bases deleted (AT; older notation c.870_871delAT).
Protein change: p.Cys291fs; shifts the reading frame from cysteine 291.
Molecular consequence: frameshift variant.
Genome position (GRCh38, 1-based): chr3:15,458,269-15,458,270, AT deleted on the plus strand (AT on the coding strand, the reverse complement: COLQ is on the minus strand). VCF-style (leftmost placement, unchanged base first): chr3-15458268-CAT-C. GRCh37 (hg19) VCF-style: chr3-15499775-CAT-C.
Other names: c.840_841del, p.Cys281fs (NM_080538.2); c.768_769del, p.Cys257fs (NM_080539.4); short protein forms C257fs, C281fs, C291fs.
Identifiers: ClinVar variation 2501174 (VCV002501174.1), dbSNP rs2470828749, ClinGen allele CA2580614148.
Genomic context (GRCh38, chr3:15,458,268, plus strand): 5'-GGCCCATACACAGATTCCCCGTAGGAAGGGTTATTCACATTCATAGTGGGTCCACAAAGA[CAT>C]CTTCCTGGAGGCCCGGGAAATCCTCTTTCCCCTTTGGGTCCCATTATAAGTTGTCCTAGG-3'

ClinVar aggregate classification (germline): Likely pathogenic (1 of 4 stars; one submission).

Conditions:
Congenital myasthenic syndrome (CMS). Also called: Congenital Myasthenic Syndromes. Identifiers: Orphanet 590, MedGen C0751882, MeSH D020294, MONDO:0018940.

Submission:

Women's Health and Genetics/Laboratory Corporation of America, LabCorp
Classification: Likely pathogenic for Congenital myasthenic syndrome. Last evaluated: 2023-03-09. Review status: criteria provided, single submitter. Criteria: LabCorp Variant Classification Summary - May 2015. Collection method: clinical testing. Allele origin: germline.
Comment: Variant summary: COLQ c.870_871delAT (p.Cys291SerfsX10) results in a premature termination codon, predicted to cause a truncation of the encoded protein or absence of the protein due to nonsense mediated decay, which are commonly known mechanisms for disease. The variant was absent in 251480 control chromosomes (gnomAD). To our knowledge, no occurrence of c.870_871delAT in individuals affected with Congenital Myasthenic Syndrome and no experimental evidence demonstrating its impact on protein function have been reported. No clinical diagnostic laboratories have submitted clinical-significance assessments for this variant to ClinVar after 2014. Based on the evidence outlined above, the variant was classified as likely pathogenic.